The following is an entry in ClinVar:

ClinVar aggregate classification (germline): Benign. Review status: criteria provided, multiple submitters, no conflicts (2 of 4 stars). 5 submissions from 5 submitters: Benign (5). Last evaluated 2026-02-04.

Conditions:
Hypoplastic enamel-onycholysis-hypohidrosis syndrome (TNS). Also called: Tooth-and-Nail Syndrome; ECTODERMAL DYSPLASIA 3, WITKOP TYPE; NAIL DYSPLASIA WITH HYPODONTIA; WITKOP SYNDROME; ECTODERMAL DYSPLASIA 3, TOOTH/NAIL TYPE. Identifiers: Orphanet 2228, MedGen C0406735, MONDO:0008582, OMIM 189500.

Allele frequency attached by ClinVar (database versions not stated): gnomAD 0.14189 and 0.14076; TOPMed 0.13104; 1000 Genomes Project 30x 0.10415; ESP Exome Variant Server 0.12562; gnomAD exomes 0.15020 and 0.15669; ExAC 0.15202; 1000 Genomes Project 0.10363.
gnomAD v4.1: 232,130 of 1,500,962 alleles (15%); highest among the groups gnomAD compares: Non-Finnish European, 16%; 18,800 homozygotes.

Submissions (5):

Labcorp Genetics (formerly Invitae), Labcorp
Classification: Benign for Hypoplastic enamel-onycholysis-hypohidrosis syndrome. Last evaluated: 2026-02-04. Review status: criteria provided, single submitter. Criteria: Invitae Variant Classification Sherloc (09022015). Collection method: clinical testing. Allele origin: germline.

Blueprint Genetics
Classification: Benign. Last evaluated: 2024-11-26. Review status: criteria provided, single submitter. Criteria: ACMG Guidelines, 2015. Collection method: clinical testing. Allele origin: germline.

GeneDx
Classification: Benign. Last evaluated: 2021-05-04. Review status: criteria provided, single submitter. Criteria: GeneDx Variant Classification Process June 2021. Collection method: clinical testing. Allele origin: germline. Affected: yes.
Comment: This variant is associated with the following publications: (PMID: 28965043, 28204848, 16723652, 15379328, 21866112, 25565750, 21740177)

Mendelics
Classification: Benign for Hypoplastic enamel-onycholysis-hypohidrosis syndrome. Last evaluated: 2019-05-28. Review status: criteria provided, single submitter. Criteria: Mendelics Assertion Criteria 2017. Collection method: clinical testing. Allele origin: unknown.

Breakthrough Genomics
Classification: Benign. Review status: criteria provided, single submitter. Criteria: ACMG Guidelines, 2015. Collection method: not provided. Allele origin: germline. Inheritance: Autosomal dominant inheritance. Affected: yes.

NM_002448.3(MSX1):c.119C>G (p.Ala40Gly)

Genes: MSX1 (msh homeobox 1; plus strand), LOC129992137 (ATAC-STARR-seq lymphoblastoid silent region 15219; plus strand). Cytogenetic location: 4p16.2.
Variant type: single nucleotide variant.
Coding change: c.119C>G on transcript NM_002448.3 (MANE Select); coding-DNA position 119, C replaced by G.
Protein change: p.Ala40Gly; replaces alanine 40 with glycine.
Molecular consequence: missense variant.
Genome position (GRCh38, 1-based): chr4:4,860,018, C>G. VCF-style: chr4-4860018-C-G. GRCh37 (hg19) VCF-style: chr4-4861745-C-G.
Other names: short protein forms A40G.
Identifiers: ClinVar variation 802050 (VCV000802050.14), dbSNP rs36059701, ClinGen allele CA2832924.
Genomic context (GRCh38, chr4:4,860,018, plus strand): 5'-CCTTCGGCAAGCCGGCGGGGGGAGGCGCGGGCCAGGCCCCCAGCGCCGCCGCGGCCACGG[C>G]AGCCGCCATGGGCGCGGACGAGGAGGGGGCCAAGCCCAAAGTGTCCCCTTCGCTCCTGCC-3'
Protein context (NP_002439.2, residues 30-50): GQAPSAAAAT[Ala40Gly]AAMGADEEGA